The following is an entry in ClinVar:

ClinVar aggregate classification (germline): Uncertain significance (1 of 4 stars; one submission).

Conditions:
Fanconi anemia complementation group O. Also called: RAD51C-Related Fanconi Anemia. Identifiers: Orphanet 84, MedGen C3150653, MONDO:0013248, OMIM 613390.

Submission:

Labcorp Genetics (formerly Invitae), Labcorp
Classification: Uncertain significance for Fanconi anemia complementation group O. Last evaluated: 2024-04-25. Review status: criteria provided, single submitter. Criteria: Invitae Variant Classification Sherloc (09022015). Collection method: clinical testing. Allele origin: germline.
Comment: This sequence change replaces threonine, which is neutral and polar, with lysine, which is basic and polar, at codon 132 of the RAD51C protein (p.Thr132Lys). This variant is not present in population databases (gnomAD no frequency). This variant has not been reported in the literature in individuals affected with RAD51C-related conditions. Advanced modeling of protein sequence and biophysical properties (such as structural, functional, and spatial information, amino acid conservation, physicochemical variation, residue mobility, and thermodynamic stability) performed at Invitae indicates that this missense variant is expected to disrupt RAD51C protein function with a positive predictive value of 80%. In summary, the available evidence is currently insufficient to determine the role of this variant in disease. Therefore, it has been classified as a Variant of Uncertain Significance.

NM_058216.3(RAD51C):c.395C>A (p.Thr132Lys)

Gene: RAD51C (RAD51 paralog C; plus strand). Cytogenetic location: 17q22.
Variant type: single nucleotide variant.
Coding change: c.395C>A on transcript NM_058216.3 (MANE Select); coding-DNA position 395, C replaced by A.
Protein change: p.Thr132Lys; replaces threonine 132 with lysine.
Molecular consequence: missense variant. On other transcripts: non-coding transcript variant (2).
Genome position (GRCh38, 1-based): chr17:58,695,180, C>A. VCF-style: chr17-58695180-C-A. GRCh37 (hg19) VCF-style: chr17-56772541-C-A.
Other names: c.395C>A, p.Thr132Lys (NM_002876.4, NM_058217.1); short protein forms T132K.
Identifiers: ClinVar variation 2863847 (VCV002863847.3), dbSNP rs730881930, ClinGen allele CA400342024.